The following is an entry in ClinVar:

NM_001037333.3(CYFIP2):c.2489dup (p.Asn830fs)

Gene: CYFIP2 (cytoplasmic FMR1 interacting protein 2; plus strand). Cytogenetic location: 5q33.3.
Variant type: Duplication.
Coding change: c.2489dup on transcript NM_001037333.3 (MANE Select); coding-DNA position 2489, one base duplicated (A; older notation c.2489dupA).
Protein change: p.Asn830fs; shifts the reading frame from asparagine 830.
Molecular consequence: frameshift variant.
Genome position (GRCh38, 1-based): chr5:157,339,160, A duplicated; the last of 2 consecutive A bases (chr5:157,339,159-157,339,160); duplicating either gives the same sequence. VCF-style (leftmost placement, unchanged base first): chr5-157339158-C-CA. GRCh37 (hg19) VCF-style: chr5-156766166-C-CA.
Other names: c.2411dup, p.Asn804fs (NM_001291721.2); c.2564dup, p.Asn855fs (NM_001291722.2); c.2489dup, p.Asn830fs (NM_014376.4); short protein forms N804fs, N830fs, N855fs.
Identifiers: ClinVar variation 2705932 (VCV002705932.3), dbSNP rs2532480600, ClinGen allele CA2697546562.
Genomic context (GRCh38, chr5:157,339,158, plus strand): 5'-GCTGCTCTGTAAGCATATGACGCTGGACAGCTTCGATGCCATGTTCCGAGAGGCCAATCA[C>CA]AATGTGTCCGCCCCCTATGGCCGTATCACCCTGCATGTCTTCTGGGAACTGAACTTTGAC-3'

ClinVar aggregate classification (germline): Uncertain significance (1 of 4 stars; one submission).

Submission:

Labcorp Genetics (formerly Invitae), Labcorp
Classification: Uncertain significance. Last evaluated: 2024-01-11. Review status: criteria provided, single submitter. Criteria: Invitae Variant Classification Sherloc (09022015). Collection method: clinical testing. Allele origin: germline.
Comment: This sequence change creates a premature translational stop signal (p.Asn830Lysfs*20) in the CYFIP2 gene. It is expected to result in an absent or disrupted protein product. However, the current clinical and genetic evidence is not sufficient to establish whether loss-of-function variants in CYFIP2 cause disease. This variant is not present in population databases (gnomAD no frequency). This variant has not been reported in the literature in individuals affected with CYFIP2-related conditions. In summary, the available evidence is currently insufficient to determine the role of this variant in disease. Therefore, it has been classified as a Variant of Uncertain Significance.